The following is an entry in ClinVar:

NM_001407.3(CELSR3):c.4275C>T (p.Pro1425=)

Gene: CELSR3 (cadherin EGF LAG seven-pass G-type receptor 3; minus strand). Cytogenetic location: 3p21.31.
Variant type: single nucleotide variant.
Coding change: c.4275C>T on transcript NM_001407.3 (MANE Select); coding-DNA position 4275, C replaced by T.
Protein change: p.Pro1425=; no amino-acid change (proline 1425 retained).
Molecular consequence: synonymous variant.
Genome position (GRCh38, 1-based): chr3:48,656,822, G>A on the plus strand (C>T on the coding strand, the complement: CELSR3 is on the minus strand). VCF-style: chr3-48656822-G-A. GRCh37 (hg19) VCF-style: chr3-48694255-G-A.
Identifiers: ClinVar variation 3052814 (VCV003052814.2), dbSNP rs762689560, ClinGen allele CA2384988.

ClinVar aggregate classification (germline): Likely benign (0 of 4 stars; one submission).

Conditions:
CELSR3-related disorder. Also called: CELSR3-related condition.

Allele frequency attached by ClinVar (database versions not stated): ExAC 0.00001; gnomAD exomes 0.00002.
gnomAD v4.1: 11 of 1,607,884 alleles (0.00068%); highest among the groups gnomAD compares: Non-Finnish European, 0.00093%; no homozygotes.

Submission:

PreventionGenetics, part of Exact Sciences
Classification: Likely benign for CELSR3-related condition. Last evaluated: 2019-08-13. Review status: no assertion criteria provided. Collection method: clinical testing. Allele origin: germline.
Comment: This variant is classified as likely benign based on ACMG/AMP sequence variant interpretation guidelines (Richards et al. 2015 PMID: 25741868, with internal and published modifications).